The following is an entry in ClinVar:

NM_001039141.3(TRIOBP):c.567G>T (p.Arg189Ser)

Gene: TRIOBP (TRIO and F-actin binding protein; plus strand). Cytogenetic location: 22q13.1.
Variant type: single nucleotide variant.
Coding change: c.567G>T on transcript NM_001039141.3 (MANE Select); coding-DNA position 567, G replaced by T.
Protein change: p.Arg189Ser; replaces arginine 189 with serine.
Molecular consequence: missense variant.
Genome position (GRCh38, 1-based): chr22:37,715,873, G>T. VCF-style: chr22-37715873-G-T. GRCh37 (hg19) VCF-style: chr22-38111880-G-T.
Other names: short protein forms R189S.
Identifiers: ClinVar variation 805685 (VCV000805685.6), dbSNP rs1318164921, ClinGen allele CA411450502.

ClinVar aggregate classification (germline): Uncertain significance. Review status: criteria provided, multiple submitters, no conflicts (2 of 4 stars). 2 submissions from 2 submitters: Uncertain significance (2). Last evaluated 2022-03-19.

Allele frequency attached by ClinVar (database versions not stated): gnomAD exomes below 0.00001 and 0.00001; gnomAD 0.00001; TOPMed 0.00001.
gnomAD v4.1: 6 of 1,613,664 alleles (0.00037%); highest among the groups gnomAD compares: Non-Finnish European, 0.00051%; no homozygotes.

Submissions (2):

Labcorp Genetics (formerly Invitae), Labcorp
Classification: Uncertain significance. Last evaluated: 2022-03-19. Review status: criteria provided, single submitter. Criteria: Invitae Variant Classification Sherloc (09022015). Collection method: clinical testing. Allele origin: germline.
Comment: In summary, the available evidence is currently insufficient to determine the role of this variant in disease. Therefore, it has been classified as a Variant of Uncertain Significance. Algorithms developed to predict the effect of missense changes on protein structure and function are either unavailable or do not agree on the potential impact of this missense change (SIFT: "Deleterious"; PolyPhen-2: "Benign"; Align-GVGD: "Class C0"). ClinVar contains an entry for this variant (Variation ID: 805685). This variant has not been reported in the literature in individuals affected with TRIOBP-related conditions. The frequency data for this variant in the population databases is considered unreliable, as metrics indicate poor data quality at this position in the gnomAD database. This sequence change replaces arginine, which is basic and polar, with serine, which is neutral and polar, at codon 189 of the TRIOBP protein (p.Arg189Ser).

Athena Diagnostics
Classification: Uncertain significance. Last evaluated: 2019-07-12. Review status: criteria provided, single submitter. Criteria: Athena Diagnostics Criteria. Collection method: clinical testing. Allele origin: germline.